The following is an entry in ClinVar:

NM_001128164.2(ATXN1):c.638_639insTCA (p.Gln212_Gln213insHis)

Genes: ATXN1 (ataxin 1; minus strand), LOC108663993 (ataxin 1 repeat instability region; plus strand). Cytogenetic location: 6p22.3.
Variant type: Insertion.
Coding change: c.638_639insTCA on transcript NM_001128164.2 (MANE Select); coding-DNA positions 638 to 639, TCA inserted.
Protein change: p.Gln212_Gln213insHis.
Molecular consequence: inframe insertion. On other transcripts: 3 prime UTR variant (1).
Genome position: GRCh38 VCF-style: chr6-16327672-C-CTGA. GRCh37 (hg19) VCF-style: chr6-16327903-C-CTGA.
Other names: c.638_639insTCA, p.Gln212_Gln213insHis (NM_000332.4); c.*51_*52insTCA (NM_001357857.2).
Identifiers: ClinVar variation 3038334 (VCV003038334.3), dbSNP rs1554138045, ClinGen allele CA3645558.

ClinVar aggregate classification (germline): Likely benign. Review status: criteria provided, single submitter (1 of 4 stars). 2 submissions from 2 submitters: Likely benign (1). 1 of the submissions does not count toward it. Last evaluated 2024-11-26.

Conditions:
ATXN1-related disorder. Also called: ATXN1-related condition.

Submissions (2):

Blueprint Genetics
Classification: Likely benign. Last evaluated: 2024-11-26. Review status: criteria provided, single submitter. Criteria: ACMG Guidelines, 2015. Collection method: clinical testing. Allele origin: germline.

PreventionGenetics, part of Exact Sciences
Classification: Benign for ATXN1-related condition. Last evaluated: 2020-07-29. Review status: no assertion criteria provided. Collection method: clinical testing. Allele origin: germline. Not counted in ClinVar's aggregate classification.
Comment: This variant is classified as benign based on ACMG/AMP sequence variant interpretation guidelines (Richards et al. 2015 PMID: 25741868, with internal and published modifications).